The following is an entry in ClinVar:

ClinVar aggregate classification (germline): Conflicting classifications of pathogenicity. Review status: criteria provided, conflicting classifications (1 of 4 stars). 2 submissions from 2 submitters: Uncertain significance (1); Likely benign (1). Last evaluated 2026-07-08.

Conditions:
MAGEL2-related disorder. Also called: MAGEL2-related condition.

Allele frequency attached by ClinVar (database versions not stated): gnomAD exomes below 0.00001; gnomAD 0.00002; TOPMed 0.00010; 1000 Genomes Project 30x 0.00016; 1000 Genomes Project 0.00040.

Submissions (2):

PreventionGenetics, part of Exact Sciences
Classification: Likely benign for MAGEL2-related condition. Last evaluated: 2026-07-08. Review status: criteria provided, single submitter. Criteria: ACMG Guidelines, 2015. Collection method: clinical testing. Allele origin: germline.
Comment: This variant is classified as likely benign based on ACMG/AMP sequence variant interpretation guidelines (Richards et al. 2015 PMID: 25741868, with internal and published modifications).

Labcorp Genetics (formerly Invitae), Labcorp
Classification: Uncertain significance. Last evaluated: 2024-11-29. Review status: criteria provided, single submitter. Criteria: Invitae Variant Classification Sherloc (09022015). Collection method: clinical testing. Allele origin: germline.
Comment: This sequence change replaces proline, which is neutral and non-polar, with alanine, which is neutral and non-polar, at codon 252 of the MAGEL2 protein (p.Pro252Ala). This variant is present in population databases (rs368335536, gnomAD 0.01%). This variant has not been reported in the literature in individuals affected with MAGEL2-related conditions. ClinVar contains an entry for this variant (Variation ID: 2636056). Experimental studies and prediction algorithms are not available or were not evaluated, and the functional significance of this variant is currently unknown. In summary, the available evidence is currently insufficient to determine the role of this variant in disease. Therefore, it has been classified as a Variant of Uncertain Significance.

NM_019066.5(MAGEL2):c.754C>G (p.Pro252Ala)

Gene: MAGEL2 (MAGE family member L2; minus strand). Cytogenetic location: 15q11.2.
Variant type: single nucleotide variant.
Coding change: c.754C>G on transcript NM_019066.5 (MANE Select); coding-DNA position 754, C replaced by G.
Protein change: p.Pro252Ala; replaces proline 252 with alanine.
Molecular consequence: missense variant.
Genome position (GRCh38, 1-based): chr15:23,646,989, G>C on the plus strand (C>G on the coding strand, the complement: MAGEL2 is on the minus strand). VCF-style: chr15-23646989-G-C. GRCh37 (hg19) VCF-style: chr15-23892136-G-C.
Other names: short protein forms P252A.
Identifiers: ClinVar variation 2636056 (VCV002636056.3), dbSNP rs368335536, ClinGen allele CA267661137.
Genomic context (GRCh38, chr15:23,646,989, plus strand): 5'-GAGGCTGGGTCATCATGGCTGCTGGAGGCGGCTGGACCATCGGTGCTCCCGGAGCAGCAG[G>C]CTGGACCATCAGGACTCCCGGAGTCAGAGGCTGGGCCATCAGGACTCCCGGAGCTGGAGG-3'
Protein context (NP_061939.3, residues 242-262): PLTPGVLMVQ[Pro252Ala]AAPGAPMVQP